The following is an entry in ClinVar:

NM_002693.3(POLG):c.1744G>A (p.Asp582Asn)

Gene: POLG (DNA polymerase gamma, catalytic subunit; minus strand). Cytogenetic location: 15q26.1.
Variant type: single nucleotide variant.
Coding change: c.1744G>A on transcript NM_002693.3 (MANE Select); coding-DNA position 1744, G replaced by A.
Protein change: p.Asp582Asn; replaces aspartic acid 582 with asparagine.
Molecular consequence: missense variant.
Genome position (GRCh38, 1-based): chr15:89,325,655, C>T on the plus strand (G>A on the coding strand, the complement: POLG is on the minus strand). VCF-style: chr15-89325655-C-T. GRCh37 (hg19) VCF-style: chr15-89868886-C-T.
Other names: p.D582N:GAC>AAC; c.1744G>A, p.Asp582Asn (NM_001126131.2); short protein forms D582N.
Identifiers: ClinVar variation 206601 (VCV000206601.13), dbSNP rs746560565, ClinGen allele CA316844.

ClinVar aggregate classification (germline): Uncertain significance. Review status: criteria provided, multiple submitters, no conflicts (2 of 4 stars). 3 submissions from 3 submitters: Uncertain significance (3). Last evaluated 2026-09-11.

Conditions:
Progressive sclerosing poliodystrophy (MTDPS4A). Also called: ALPERS DIFFUSE DEGENERATION OF CEREBRAL GRAY MATTER WITH HEPATIC CIRRHOSIS; Mitochondrial DNA depletion syndrome 4A (Alpers type); Alpers Syndrome; Alpers-Huttenlocher Syndrome; Mitochondrial DNA Depletion Syndrome 4A; Alpers-Huttenlocher Syndrome (AHS). Identifiers: Orphanet 726, MedGen C0205710, MONDO:0008758, OMIM 203700.

Allele frequency attached by ClinVar (database versions not stated): TOPMed 0.00001; gnomAD 0.00002; gnomAD exomes 0.00002 and 0.00003; ExAC 0.00003.
gnomAD v4.1: 33 of 1,611,014 alleles (0.002%); highest among the groups gnomAD compares: Admixed American, 0.005%; no homozygotes.

Submissions (3):

GeneDx
Classification: Uncertain significance. Last evaluated: 2026-09-11. Review status: criteria provided, single submitter. Criteria: GeneDx Variant Classification Process June 2021. Collection method: clinical testing. Allele origin: germline.
Comment: Not observed at significant frequency in large population cohorts (gnomAD); In silico analysis suggests that this missense variant does not alter protein structure/function; Has not been previously published as pathogenic or benign to our knowledge

Labcorp Genetics (formerly Invitae), Labcorp
Classification: Uncertain significance for Progressive sclerosing poliodystrophy. Last evaluated: 2025-10-01. Review status: criteria provided, single submitter. Criteria: Invitae Variant Classification Sherloc (09022015). Collection method: clinical testing. Allele origin: germline.
Comment: This sequence change replaces aspartic acid, which is acidic and polar, with asparagine, which is neutral and polar, at codon 582 of the POLG protein (p.Asp582Asn). This variant is present in population databases (rs746560565, gnomAD 0.01%). This variant has not been reported in the literature in individuals affected with POLG-related conditions. ClinVar contains an entry for this variant (Variation ID: 206601). Invitae Evidence Modeling of protein sequence and biophysical properties (such as structural, functional, and spatial information, amino acid conservation, physicochemical variation, residue mobility, and thermodynamic stability) has been performed for this missense variant. However, the output from this modeling did not meet the statistical confidence thresholds required to predict the impact of this variant on POLG protein function. In summary, the available evidence is currently insufficient to determine the role of this variant in disease. Therefore, it has been classified as a Variant of Uncertain Significance.

Dasa
Classification: Uncertain significance. Last evaluated: 2025-05-30. Review status: criteria provided, single submitter. Criteria: DASA Assertion Criteria. Collection method: clinical testing. Allele origin: germline.
Comment: NM_002693.3(POLG):c.1744G>A (p.Asp582Asn) is a missense variant that results in the substitution of aspartic acid with asparagine. This variant is rare in population databases. The currently available literature and clinical evidence are not sufficient to establish a definitive association between this variant and the reported condition. Therefore, this variant is classified as a variant of uncertain significance.